The following is an entry in ClinVar:

NM_004006.3(DMD):c.5511A>C (p.Arg1837Ser)

Gene: DMD (dystrophin; minus strand). Cytogenetic location: Xp21.1.
Variant type: single nucleotide variant.
Coding change: c.5511A>C on transcript NM_004006.3 (MANE Select); coding-DNA position 5511, A replaced by C.
Protein change: p.Arg1837Ser; replaces arginine 1837 with serine.
Molecular consequence: missense variant.
Genome position (GRCh38, 1-based): chrX:32,346,018, T>G on the plus strand (A>C on the coding strand, the complement: DMD is on the minus strand). VCF-style: chrX-32346018-T-G. GRCh37 (hg19) VCF-style: chrX-32364135-T-G.
Other names: c.5487A>C, p.Arg1829Ser (NM_000109.4); c.5499A>C, p.Arg1833Ser (NM_004009.3); c.5142A>C, p.Arg1714Ser (NM_004010.3); c.1488A>C, p.Arg496Ser (NM_004011.4); c.1479A>C, p.Arg493Ser (NM_004012.4); short protein forms R1833S, R1837S, R493S, R1714S, R496S, R1829S.
Identifiers: ClinVar variation 2914865 (VCV002914865.4), dbSNP rs1603631319, ClinGen allele CA412667375.
Genomic context (GRCh38, chrX:32,346,018, plus strand): 5'-TTTTGTCTGTAACAGCTGCTGTTTTATCTTTATTTCCTCTCGCTTTCTCTCATCTGTGAT[T>G]CTTTGTTGTAAGTTGTCTCCTCTTTGCAACAATTCTTTTACAGTACCCTCATTGTCTTCA-3'
Protein context (NP_003997.2, residues 1827-1847): LLQRGDNLQQ[Arg1837Ser]ITDERKREEI

ClinVar aggregate classification (germline): Uncertain significance. Review status: criteria provided, multiple submitters, no conflicts (2 of 4 stars). 2 submissions from 2 submitters: Uncertain significance (2). Last evaluated 2026-07-28.

Conditions:
Duchenne muscular dystrophy (DMD). Also called: Duchenne Muscular Dystrophy (DMD); MUSCULAR DYSTROPHY, PSEUDOHYPERTROPHIC PROGRESSIVE, DUCHENNE TYPE. Identifiers: Orphanet 98896, MedGen C0013264, MONDO:0010679, OMIM 310200.
Cardiovascular phenotype. Identifiers: MedGen CN230736.

Submissions (2):

Ambry Genetics
Classification: Uncertain significance for Cardiovascular phenotype. Last evaluated: 2026-07-28. Review status: criteria provided, single submitter. Criteria: Ambry Variant Classification Scheme 2023. Collection method: clinical testing. Allele origin: germline.

Labcorp Genetics (formerly Invitae), Labcorp
Classification: Uncertain significance for Duchenne muscular dystrophy. Last evaluated: 2023-08-05. Review status: criteria provided, single submitter. Criteria: Invitae Variant Classification Sherloc (09022015). Collection method: clinical testing. Allele origin: germline.
Comment: This variant is not present in population databases (gnomAD no frequency). This variant has not been reported in the literature in individuals affected with DMD-related conditions. Advanced modeling of protein sequence and biophysical properties (such as structural, functional, and spatial information, amino acid conservation, physicochemical variation, residue mobility, and thermodynamic stability) performed at Invitae indicates that this missense variant is not expected to disrupt DMD protein function. In summary, the available evidence is currently insufficient to determine the role of this variant in disease. Therefore, it has been classified as a Variant of Uncertain Significance. This sequence change replaces arginine, which is basic and polar, with serine, which is neutral and polar, at codon 1837 of the DMD protein (p.Arg1837Ser).